The following is an entry in ClinVar:

NM_000540.3(RYR1):c.15034T>A (p.Trp5012Arg)

Gene: RYR1 (ryanodine receptor 1; plus strand). Cytogenetic location: 19q13.2.
Variant type: single nucleotide variant.
Coding change: c.15034T>A on transcript NM_000540.3 (MANE Select); coding-DNA position 15034, T replaced by A.
Protein change: p.Trp5012Arg; replaces tryptophan 5012 with arginine.
Molecular consequence: missense variant.
Genome position (GRCh38, 1-based): chr19:38,587,337, T>A. VCF-style: chr19-38587337-T-A. GRCh37 (hg19) VCF-style: chr19-39077977-T-A.
Other names: c.15034T>A (NM_000540.2); c.15019T>A, p.Trp5007Arg (NM_001042723.2); short protein forms W5007R, W5012R.
Identifiers: ClinVar variation 1038239 (VCV001038239.12), dbSNP rs1974542909, ClinGen allele CA405694006.

ClinVar aggregate classification (germline): Uncertain significance. Review status: criteria provided, multiple submitters, no conflicts (2 of 4 stars). 2 submissions from 2 submitters: Uncertain significance (2). Last evaluated 2025-08-18.

Conditions:
RYR1-related disorder. Also called: RYR1-related condition; RYR1-related disorders. Identifiers: MedGen CN239331.
Inborn genetic diseases. Identifiers: MedGen C0950123, MeSH D030342.

Allele frequency attached by ClinVar (database versions not stated): TOPMed below 0.00001.

Submissions (2):

Ambry Genetics
Classification: Uncertain significance for Inborn genetic diseases. Last evaluated: 2025-08-18. Review status: criteria provided, single submitter. Criteria: Ambry Variant Classification Scheme 2023. Collection method: clinical testing. Allele origin: germline.
Comment: The c.15034T>A (p.W5012R) alteration is located in exon 106 (coding exon 106) of the RYR1 gene. This alteration results from a T to A substitution at nucleotide position 15034, causing the tryptophan (W) at amino acid position 5012 to be replaced by an arginine (R). This variant was not reported in population-based cohorts in the Genome Aggregation Database (gnomAD). This amino acid position is highly conserved in available vertebrate species. This alteration is predicted to be deleterious by in silico analysis. Based on insufficient or conflicting evidence, the clinical significance of this alteration remains unclear.

Labcorp Genetics (formerly Invitae), Labcorp
Classification: Uncertain significance for RYR1-related disorder. Last evaluated: 2022-02-03. Review status: criteria provided, single submitter. Criteria: Invitae Variant Classification Sherloc (09022015). Collection method: clinical testing. Allele origin: germline.
Comment: In summary, the available evidence is currently insufficient to determine the role of this variant in disease. Therefore, it has been classified as a Variant of Uncertain Significance. Algorithms developed to predict the effect of missense changes on protein structure and function are either unavailable or do not agree on the potential impact of this missense change (SIFT: "Deleterious"; PolyPhen-2: "Not Available"; Align-GVGD: "Class C0"). ClinVar contains an entry for this variant (Variation ID: 1038239). This missense change has been observed in individual(s) with clinical features of autosomal recessive congenital myopathy (Invitae). This variant is not present in population databases (gnomAD no frequency). This sequence change replaces tryptophan, which is neutral and slightly polar, with arginine, which is basic and polar, at codon 5012 of the RYR1 protein (p.Trp5012Arg).